The following is an entry in ClinVar:

ClinVar aggregate classification (germline): Uncertain significance (1 of 4 stars; one submission).

Conditions:
Cardiovascular phenotype. Identifiers: MedGen CN230736.

Submission:

Ambry Genetics
Classification: Uncertain significance for Cardiovascular phenotype. Last evaluated: 2024-11-10. Review status: criteria provided, single submitter. Criteria: Ambry Variant Classification Scheme 2023. Collection method: clinical testing. Allele origin: germline.
Comment: The p.F339C variant (also known as c.1016T>G), located in coding exon 3 of the PKP2 gene, results from a T to G substitution at nucleotide position 1016. The phenylalanine at codon 339 is replaced by cysteine, an amino acid with highly dissimilar properties. This amino acid position is conserved. In addition, this alteration is predicted to be tolerated by in silico analysis. Based on the available evidence, the clinical significance of this variant remains unclear.

NM_001005242.3(PKP2):c.1016T>G (p.Phe339Cys)

Gene: PKP2 (plakophilin 2; minus strand). Cytogenetic location: 12p11.21.
Variant type: single nucleotide variant.
Coding change: c.1016T>G on transcript NM_001005242.3 (MANE Select); coding-DNA position 1016, T replaced by G.
Protein change: p.Phe339Cys; replaces phenylalanine 339 with cysteine.
Molecular consequence: missense variant.
Genome position (GRCh38, 1-based): chr12:32,877,864, A>C on the plus strand (T>G on the coding strand, the complement: PKP2 is on the minus strand). VCF-style: chr12-32877864-A-C. GRCh37 (hg19) VCF-style: chr12-33030798-A-C.
Other names: c.1016T>G, p.Phe339Cys (NM_001407155.1, NM_001407156.1, NM_001407157.1 and 2 more transcripts); c.689T>G, p.Phe230Cys (NM_001407158.1, NM_001407159.1, NM_001407160.1 and 1 more transcripts); short protein forms F230C, F339C.
Identifiers: ClinVar variation 3419537 (VCV003419537.1).